The following is an entry in ClinVar:

ClinVar aggregate classification (germline): Likely pathogenic (1 of 4 stars; one submission).

Submission:

GeneDx
Classification: Likely pathogenic. Last evaluated: 2026-09-30. Review status: criteria provided, single submitter. Criteria: GeneDx Variant Classification Process June 2021. Collection method: clinical testing. Allele origin: germline.
Comment: Nonsense variant predicted to result in protein truncation or nonsense mediated decay in a gene for which loss of function is a known mechanism of disease; Not observed at significant frequency in large population cohorts (gnomAD); Has not been previously published as pathogenic or benign to our knowledge

NM_080680.3(COL11A2):c.3838G>T (p.Glu1280Ter)

Gene: COL11A2 (collagen type XI alpha 2 chain; minus strand). Cytogenetic location: 6p21.32.
Variant type: single nucleotide variant.
Coding change: c.3838G>T on transcript NM_080680.3 (MANE Select); coding-DNA position 3838, G replaced by T.
Protein change: p.Glu1280Ter; replaces glutamic acid 1280 with a stop codon.
Molecular consequence: nonsense.
Genome position (GRCh38, 1-based): chr6:33,168,969, C>A on the plus strand (G>T on the coding strand, the complement: COL11A2 is on the minus strand). VCF-style: chr6-33168969-C-A. GRCh37 (hg19) VCF-style: chr6-33136746-C-A.
Other names: c.3658G>T, p.Glu1220Ter (NM_001424108.1); c.2992G>T, p.Glu998Ter (NM_001424109.1); c.2812G>T, p.Glu938Ter (NM_001424110.1, NM_001424111.1); c.1792G>T, p.Glu598Ter (NM_001424112.1); c.3517G>T, p.Glu1173Ter (NM_080679.3); c.3580G>T, p.Glu1194Ter (NM_080681.3); short protein forms E1173*, E1194*, E1220*, E1280*, E598*, E938*, E998*.
Identifiers: ClinVar variation 3369110 (VCV003369110.2).